The following is an entry in ClinVar:

NM_015047.3(EMC1):c.2852_2855del (p.Lys951fs)

Genes: EMC1 (ER membrane protein complex subunit 1; minus strand), EMC1-AS1 (EMC1 antisense RNA 1; plus strand). Cytogenetic location: 1p36.13.
Variant type: Deletion.
Coding change: c.2852_2855del on transcript NM_015047.3 (MANE Select); coding-DNA positions 2852 to 2855, 4 bases deleted (AGCA; older notation c.2852_2855delAGCA).
Protein change: p.Lys951fs; shifts the reading frame from lysine 951.
Molecular consequence: frameshift variant.
Genome position (GRCh38, 1-based): chr1:19,219,430-19,219,433, TGCT deleted on the plus strand (AGCA on the coding strand, the reverse complement: EMC1 is on the minus strand); deleting any 4 consecutive bases within chr1:19,219,430-19,219,435 gives the same sequence; the c. name uses the placement nearest the transcript's 3' end. VCF-style (leftmost placement, unchanged base first): chr1-19219429-CTGCT-C. GRCh37 (hg19) VCF-style: chr1-19545923-CTGCT-C.
Other names: c.2852_2855delAGCA (NM_015047.3); c.2849_2852del, p.Lys950fs (NM_001271427.2, NM_001271428.2); c.2786_2789del, p.Lys929fs (NM_001271429.2); c.2861_2864del, p.Lys954fs (NM_001375820.1); c.2858_2861del, p.Lys953fs (NM_001375821.1); short protein forms K950fs, K951fs, K929fs, K953fs, K954fs.
Identifiers: ClinVar variation 1378507 (VCV001378507.8), dbSNP rs1480280265, ClinGen allele CA521511420.

ClinVar aggregate classification (germline): Uncertain significance. Review status: criteria provided, multiple submitters, no conflicts (2 of 4 stars). 2 submissions from 2 submitters: Uncertain significance (2). Last evaluated 2026-01-19.

Submissions (2):

Labcorp Genetics (formerly Invitae), Labcorp
Classification: Uncertain significance. Last evaluated: 2026-01-19. Review status: criteria provided, single submitter. Criteria: Invitae Variant Classification Sherloc (09022015). Collection method: clinical testing. Allele origin: germline.
Comment: This sequence change creates a premature translational stop signal (p.Lys951Serfs*5) in the EMC1 gene. While this is not anticipated to result in nonsense mediated decay, it is expected to disrupt the last 43 amino acid(s) of the EMC1 protein. This variant is present in population databases (no rsID available, gnomAD 0.0009%). This variant has not been reported in the literature in individuals affected with EMC1-related conditions. ClinVar contains an entry for this variant (Variation ID: 1378507). Experimental studies and prediction algorithms are not available or were not evaluated, and the functional significance of this variant is currently unknown. In summary, the available evidence is currently insufficient to determine the role of this variant in disease. Therefore, it has been classified as a Variant of Uncertain Significance.

Women's Health and Genetics/Laboratory Corporation of America, LabCorp
Classification: Uncertain significance. Last evaluated: 2025-07-07. Review status: criteria provided, single submitter. Criteria: LabCorp Variant Classification Summary - May 2015. Collection method: clinical testing. Allele origin: germline.
Comment: Variant summary: EMC1 c.2852_2855delAGCA (p.Lys951SerfsX5) results in a premature termination codon, predicted to cause a truncation of the encoded protein in the last exon. However, nonsense mediated decay is not expected to occur. The variant allele was found at a frequency of 4e-06 in 251470 control chromosomes. The available data on variant occurrences in the general population are insufficient to allow any conclusion about variant significance. To our knowledge, no occurrence of c.2852_2855delAGCA in individuals affected with Cerebellar Atrophy, Visual Impairment, And Psychomotor Retardation and no experimental evidence demonstrating its impact on protein function have been reported. ClinVar contains an entry for this variant (Variation ID: 1378507). Based on the evidence outlined above, the variant was classified as uncertain significance.